The following is an entry in ClinVar:

NM_032119.4(ADGRV1):c.17869G>A (p.Ala5957Thr)

Gene: ADGRV1 (adhesion G protein-coupled receptor V1; plus strand). Cytogenetic location: 5q14.3.
Variant type: single nucleotide variant.
Coding change: c.17869G>A on transcript NM_032119.4 (MANE Select); coding-DNA position 17869, G replaced by A.
Protein change: p.Ala5957Thr; replaces alanine 5957 with threonine.
Molecular consequence: missense variant. On other transcripts: non-coding transcript variant (1).
Genome position (GRCh38, 1-based): chr5:90,965,427, G>A. VCF-style: chr5-90965427-G-A. GRCh37 (hg19) VCF-style: chr5-90261244-G-A.
Other names: c.17869G>A (NM_032119.3); short protein forms A5957T.
Identifiers: ClinVar variation 502244 (VCV000502244.12), dbSNP rs765800403, ClinGen allele CA3342493.

ClinVar aggregate classification (germline): Conflicting classifications of pathogenicity. Review status: criteria provided, conflicting classifications (1 of 4 stars). 4 submissions from 4 submitters: Uncertain significance (3); Likely benign (1). Last evaluated 2026-03-26.

Conditions:
ADGRV1-related disorder. Also called: ADGRV1-related condition; ADGRV1-related disorders.
Inborn genetic diseases. Identifiers: MedGen C0950123, MeSH D030342.

Allele frequency attached by ClinVar (database versions not stated): gnomAD exomes 0.00001 and 0.00002; ExAC 0.00002; gnomAD 0.00003; TOPMed 0.00005.
gnomAD v4.1: 9 of 1,608,092 alleles (0.00056%); highest among the groups gnomAD compares: Admixed American, 0.015%; no homozygotes.

Submissions (4):

PreventionGenetics, part of Exact Sciences
Classification: Uncertain significance for ADGRV1-related condition. Last evaluated: 2026-03-26. Review status: criteria provided, single submitter. Criteria: ACMG Guidelines, 2015. Collection method: clinical testing. Allele origin: germline.
Comment: The ADGRV1 c.17869G>A variant is predicted to result in the amino acid substitution p.Ala5957Thr. To our knowledge, this variant has not been reported in the literature. This variant is reported in 0.020% of alleles in individuals of Latino descent in gnomAD. At this time, the clinical significance of this variant is uncertain due to the absence of conclusive functional and genetic evidence.

Labcorp Genetics (formerly Invitae), Labcorp
Classification: Likely benign. Last evaluated: 2025-09-02. Review status: criteria provided, single submitter. Criteria: Invitae Variant Classification Sherloc (09022015). Collection method: clinical testing. Allele origin: germline.

Ambry Genetics
Classification: Uncertain significance for Inborn genetic diseases. Last evaluated: 2022-08-08. Review status: criteria provided, single submitter. Criteria: Ambry Variant Classification Scheme 2023. Collection method: clinical testing. Allele origin: germline.

Eurofins Ntd Llc (ga)
Classification: Uncertain significance. Last evaluated: 2017-06-05. Review status: criteria provided, single submitter. Criteria: EGL Classification Definitions 2015. Collection method: clinical testing. Allele origin: germline. Observed: 1 variant allele, 1 heterozygote.